The following is an entry in ClinVar:

NM_015046.7(SETX):c.994C>T (p.Arg332Trp)

Gene: SETX (senataxin; minus strand). Cytogenetic location: 9q34.13.
Variant type: single nucleotide variant.
Coding change: c.994C>T on transcript NM_015046.7 (MANE Select); coding-DNA position 994, C replaced by T.
Protein change: p.Arg332Trp; replaces arginine 332 with tryptophan.
Molecular consequence: missense variant.
Genome position (GRCh38, 1-based): chr9:132,331,293, G>A on the plus strand (C>T on the coding strand, the complement: SETX is on the minus strand). VCF-style: chr9-132331293-G-A. GRCh37 (hg19) VCF-style: chr9-135206680-G-A.
Other names: c.994C>T, p.Arg332Trp (NM_001351527.2, NM_001351528.2); short protein forms R332W.
Identifiers: ClinVar variation 2288 (VCV000002288.8), dbSNP rs29001665, ClinGen allele CA252181.

ClinVar aggregate classification (germline): Pathogenic/Likely pathogenic. Review status: criteria provided, multiple submitters, no conflicts (2 of 4 stars). 7 submissions from 7 submitters: Pathogenic (2); Likely pathogenic (3). 2 of the submissions do not count toward it. Last evaluated 2026-08-06.

Conditions:
SETX-related disorder. Also called: SETX-related condition; SETX-related disorders. Identifiers: MedGen CN239403.
Spinocerebellar ataxia, autosomal recessive, with axonal neuropathy 2 (SCAN2). Also called: Ataxia with Oculomotor Apraxia; Ataxia with Oculomotor Apraxia Type 2; Ataxia-ocular apraxia-2; ATAXIA-OCULOMOTOR APRAXIA 2. Identifiers: Orphanet 64753, MedGen C1853761, MONDO:0018996, OMIM 606002.
Amyotrophic lateral sclerosis type 4 (ALS4). Also called: AMYOTROPHIC LATERAL SCLEROSIS 4, JUVENILE; NEURONOPATHY, DISTAL HEREDITARY MOTOR, WITH PYRAMIDAL FEATURES. Identifiers: Orphanet 357043, MedGen C1865409, MONDO:0011223, OMIM 602433.

Allele frequency attached by ClinVar (database versions not stated): TOPMed 0.00001; gnomAD 0.00001; gnomAD exomes below 0.00001; ExAC 0.00001.
gnomAD v4.1: 6 of 1,613,894 alleles (0.00037%); highest among the groups gnomAD compares: African/African-American, 0.0027%; no homozygotes.

Submissions (7):

OLLIN Analises Genomicas, OLLIN
Classification: Pathogenic for Amyotrophic lateral sclerosis type 4. Last evaluated: 2026-08-06. Review status: criteria provided, single submitter. Criteria: ACMG Guidelines 2015 PMID 25741868. Collection method: clinical testing. Allele origin: germline. Inheritance: Autosomal dominant inheritance.
Comment: This missense variant, located in exon 8 (of 26), has been reported in ClinVar (accession VCV000002288.7), in gnomAD with an allele frequency of 0.00037%, and in the scientific literature, in compound heterozygosity, in individuals with SETX related disorders (PMID: 14770181, 24814856, 22526018). In silico analysis is inconclusive regarding the impact of this variant. According to the currently available evidence, this variant has been classified as pathogenic (PS4_P, PM2_P, PM3_S).

Genome-Nilou Lab
Classification: Likely pathogenic for Spinocerebellar ataxia, autosomal recessive, with axonal neuropathy 2. Last evaluated: 2023-02-08. Review status: criteria provided, single submitter. Criteria: ACMG Guidelines, 2015. Collection method: clinical testing. Allele origin: germline.

MGZ Medical Genetics Center
Classification: Likely pathogenic for Spinocerebellar ataxia, autosomal recessive, with axonal neuropathy 2. Last evaluated: 2021-11-12. Review status: criteria provided, single submitter. Criteria: ACMG Guidelines, 2015. Collection method: clinical testing. Allele origin: germline. Affected: yes. Observed: 1 variant allele.
Comment: ACMG criteria applied: PM1, PM3, PS4_SUP, PM2_SUP, PP1

AiLife Diagnostics
Classification: Likely pathogenic. Last evaluated: 2021-06-10. Review status: criteria provided, single submitter. Criteria: ACMG Guidelines, 2015. Collection method: clinical testing. Allele origin: germline. Affected: yes. Observed: 1 variant allele.

GeneDx
Classification: Pathogenic. Last evaluated: 2016-01-26. Review status: criteria provided, single submitter. Criteria: GeneDx Variant Classification (06012015). Collection method: clinical testing. Allele origin: germline. Affected: yes.
Comment: The R332W variant in the SETX gene has been reported previously in the compound heterozygous state, opposite of a second frameshift variant, in 2 siblings with cerebellar atrophy, elevated AFP and late childhood/early adult onset ocular apraxia and sensory motor neuropathy (Moreira et al., 2004). The R332W variant was not observed in approximately 6500 individuals of European and African American ancestry in the NHLBI Exome Sequencing Project, indicating it is not a common benign variant in these populations. The R332W variant is a non-conservative amino acid substitution, which is likely to impact secondary protein structure as these residues differ in polarity, charge, size and/or other properties. This substitution occurs at a position that is conserved across species. In silico analysis predicts this variant is probably damaging to the protein structure/function. Missense variants in nearby residues (E327V, I331K) have been reported in the Human Gene Mutation Database in association with SETX-related disorders (Stenson et al., 2014), supporting the functional importance of this region of the protein. Therefore, we interpret R332W as a pathogenic variant.

PreventionGenetics, part of Exact Sciences
Classification: Likely pathogenic for SETX-related condition. Last evaluated: 2024-05-07. Review status: no assertion criteria provided. Collection method: clinical testing. Allele origin: germline. Not counted in ClinVar's aggregate classification.
Comment: The SETX c.994C>T variant is predicted to result in the amino acid substitution p.Arg332Trp. This variant has been reported in the compound heterozygous state in multiple individuals with ataxia-ocular apraxia (Table 1, Moreira et al. 2004. PubMed ID: 14770181; Figure 1, Roda et al. 2014. PubMed ID: 24814856). This variant is reported in 0.00088% of alleles in individuals of European (non-Finnish) descent in gnomAD. An in vitro experimental study using patient fibroblasts suggests this variant, in the compound heterozygous state, increases cells sensitivity to oxidative DNA damage (Figure 3, Roda et al. 2014. PubMed ID: 24814856). This variant is interpreted as likely pathogenic.

OMIM
Classification: Pathogenic for SPINOCEREBELLAR ATAXIA, AUTOSOMAL RECESSIVE, WITH AXONAL NEUROPATHY 2. Last evaluated: 2004-03-01. Review status: no assertion criteria provided. Collection method: literature only. Allele origin: germline. Not counted in ClinVar's aggregate classification.

Literature cited by the submitters: PubMed 14770181 (cited by 3 submitters); PubMed 24814856 (cited by OLLIN Analises Genomicas, OLLIN and AiLife Diagnostics); PubMed 22526018 (cited by OLLIN Analises Genomicas, OLLIN); PubMed 23129421 (cited by AiLife Diagnostics).